The following is an entry in ClinVar:

NM_145649.5(GCNT2):c.*1733T>G

Gene: GCNT2 (glucosaminyl (N-acetyl) transferase 2 (I blood group); plus strand). Cytogenetic location: 6p24.2.
Variant type: single nucleotide variant.
Coding change: c.*1733T>G on transcript NM_145649.5 (MANE Select); 1733 bases downstream of the stop codon, T replaced by G.
Molecular consequence: 3 prime UTR variant.
Genome position (GRCh38, 1-based): chr6:10,628,340, T>G. VCF-style: chr6-10628340-T-G. GRCh37 (hg19) VCF-style: chr6-10628573-T-G.
Other names: c.*1733T>G (NM_001374747.1, NM_001491.3, NM_145655.4).
Identifiers: ClinVar variation 354732 (VCV000354732.5), dbSNP rs76447432, ClinGen allele CA10625481.

ClinVar aggregate classification (germline): Benign (1 of 4 stars; one submission).

Conditions:
Blood group, I system (Ii). Identifiers: MedGen C0020717, OMIM 110800.

Allele frequency attached by ClinVar (database versions not stated): gnomAD exomes 0.01058; 1000 Genomes Project 0.02855; 1000 Genomes Project 30x 0.03029; gnomAD 0.03153 and 0.03178; TOPMed 0.03322.
gnomAD v4.1: 4,776 of 152,718 alleles (3.1%); highest among the groups gnomAD compares: Middle Eastern, 8.8%; 113 homozygotes.

Submission:

Illumina Laboratory Services, Illumina
Classification: Benign for Blood group, I system. Last evaluated: 2018-01-12. Review status: criteria provided, single submitter. Criteria: ICSL Variant Classification Criteria 13 December 2019. Collection method: clinical testing. Allele origin: germline.
Comment: This variant was observed in the ICSL laboratory as part of a predisposition screen in an ostensibly healthy population. It had not been previously curated by ICSL or reported in the Human Gene Mutation Database (HGMD: prior to June 1st, 2018), and was therefore a candidate for classification through an automated scoring system. Utilizing variant allele frequency, disease prevalence and penetrance estimates, and inheritance mode, an automated score was calculated to assess if this variant is too frequent to cause the disease. Based on the score and internal cut-off values, a variant classified as benign is not then subjected to further curation. The score for this variant resulted in a classification of benign for this disease.